The following is an entry in ClinVar:

NM_014781.5(RB1CC1):c.1034C>T (p.Ala345Val)

Gene: RB1CC1 (RB1 inducible coiled-coil 1; minus strand). Cytogenetic location: 8q11.23.
Variant type: single nucleotide variant.
Coding change: c.1034C>T on transcript NM_014781.5 (MANE Select); coding-DNA position 1034, C replaced by T.
Protein change: p.Ala345Val; replaces alanine 345 with valine.
Molecular consequence: missense variant.
Genome position (GRCh38, 1-based): chr8:52,668,160, G>A on the plus strand (C>T on the coding strand, the complement: RB1CC1 is on the minus strand). VCF-style: chr8-52668160-G-A. GRCh37 (hg19) VCF-style: chr8-53580720-G-A.
Other names: c.1034C>T, p.Ala345Val (NM_001083617.2); short protein forms A345V.
Identifiers: ClinVar variation 4846921 (VCV004846921.1).

ClinVar aggregate classification (germline): Uncertain significance (1 of 4 stars; one submission).

Conditions:
Familial cancer of breast. Also called: hereditary breast carcinoma; BREAST CANCER, FAMILIAL; Hereditary breast cancer. Identifiers: Orphanet 227535, MedGen C0346153, MONDO:0016419, OMIM 114480. Disease mechanism: loss of function.

Submission:

Laboratorio de Genetica e Diagnostico Molecular, Hospital Israelita Albert Einstein
Classification: Uncertain significance for Familial cancer of breast. Last evaluated: 2025-12-18. Review status: criteria provided, single submitter. Criteria: ACMG Guidelines, 2015. Collection method: clinical testing. Allele origin: germline. Affected: yes.
Comment: ACMG classification criteria: PM2 supporting, BP4 supporting